The following is an entry in ClinVar:

ClinVar aggregate classification (germline): Benign (1 of 4 stars; one submission).

Allele frequency attached by ClinVar (database versions not stated): gnomAD exomes 0.79845; ESP Exome Variant Server 0.82676; gnomAD 0.84435; TOPMed 0.85448; 1000 Genomes Project 0.89397; 1000 Genomes Project 30x 0.89553.
gnomAD v4.1: 1,272,771 of 1,583,454 alleles (80%); highest among the groups gnomAD compares: East Asian, 94%; 513,383 homozygotes.

Submission:

Unidad de Genómica Garrahan, Hospital de Pediatría Garrahan
Classification: Benign. Last evaluated: 2024-01-24. Review status: criteria provided, single submitter. Criteria: ACMG Guidelines, 2015. Collection method: clinical testing. Allele origin: germline. Affected: no. Observed: 95 variant alleles.
Comment: This variant is classified as Benign based on local population frequency. This variant was detected in 100% of patients studied by a panel of primary immunodeficiencies. Number of patients: 95. Only high quality variants are reported.

NM_003177.7(SYK):c.847-66G>A

Gene: SYK (spleen associated tyrosine kinase; plus strand). Cytogenetic location: 9q22.2.
Variant type: single nucleotide variant.
Coding change: c.847-66G>A on transcript NM_003177.7 (MANE Select); 66 bases into the intron before coding-DNA position 847, G replaced by A.
Molecular consequence: intron variant.
Genome position (GRCh38, 1-based): chr9:90,867,065, G>A. VCF-style: chr9-90867065-G-A. GRCh37 (hg19) VCF-style: chr9-93629347-G-A.
Other names: c.846+1968G>A (NM_001174168.3, NM_001135052.4); c.847-66G>A (NM_001174167.3).
Identifiers: ClinVar variation 2688084 (VCV002688084.2), dbSNP rs1760124, ClinGen allele CA13033914.